The following is an entry in ClinVar:

NM_000051.4(ATM):c.7688T>C (p.Leu2563Ser)

Genes: ATM (ATM serine/threonine kinase; plus strand), C11orf65 (chromosome 11 open reading frame 65; minus strand). Cytogenetic location: 11q22.3.
Variant type: single nucleotide variant.
Coding change: c.7688T>C on transcript NM_000051.4 (MANE Select); coding-DNA position 7688, T replaced by C.
Protein change: p.Leu2563Ser; replaces leucine 2563 with serine.
Molecular consequence: missense variant. On other transcripts: intron variant (2).
Genome position (GRCh38, 1-based): chr11:108,331,937, T>C. VCF-style: chr11-108331937-T-C. GRCh37 (hg19) VCF-style: chr11-108202664-T-C.
Other names: c.7688T>C, p.Leu2563Ser (NM_001351834.2); c.641-22866A>G (NM_001330368.2); c.*38+3283A>G (NM_001351110.2); short protein forms L2563S.
Identifiers: ClinVar variation 1493673 (VCV001493673.8), dbSNP rs2136520333, ClinGen allele CA382561010.

ClinVar aggregate classification (germline): Uncertain significance (1 of 4 stars; one submission).

Conditions:
Ataxia-telangiectasia syndrome (AT). Also called: LOUIS-BAR SYNDROME; Cerebello-oculocutaneous telangiectasia; Immunodeficiency with ataxia telangiectasia; Ataxia telangiectasia (A-T); Ataxia-telangiectasia, complementation group D; AT, COMPLEMENTATION GROUP C. Identifiers: Orphanet 100, MedGen C0004135, MONDO:0008840, OMIM 208900.

Allele frequency attached by ClinVar (database versions not stated): gnomAD exomes below 0.00001.
gnomAD v4.1: 1 of 1,613,910 alleles (0.000062%); highest among the groups gnomAD compares: Non-Finnish European, 0.000085%; no homozygotes.

Submission:

Labcorp Genetics (formerly Invitae), Labcorp
Classification: Uncertain significance for Ataxia-telangiectasia syndrome. Last evaluated: 2021-03-25. Review status: criteria provided, single submitter. Criteria: Invitae Variant Classification Sherloc (09022015). Collection method: clinical testing. Allele origin: germline.
Comment: In summary, the available evidence is currently insufficient to determine the role of this variant in disease. Therefore, it has been classified as a Variant of Uncertain Significance. Advanced modeling of protein sequence and biophysical properties (such as structural, functional, and spatial information, amino acid conservation, physicochemical variation, residue mobility, and thermodynamic stability) performed at Invitae indicates that this missense variant is expected to disrupt ATM protein function. This variant has not been reported in the literature in individuals with ATM-related conditions. This variant is not present in population databases (ExAC no frequency). This sequence change replaces leucine with serine at codon 2563 of the ATM protein (p.Leu2563Ser). The leucine residue is highly conserved and there is a large physicochemical difference between leucine and serine.